The following is an entry in ClinVar:

ClinVar aggregate classification (germline): Uncertain significance (1 of 4 stars; one submission).

Conditions:
HYPERHOMOCYSTEINEMIA, THROMBOTIC, CBS-RELATED. Identifiers: MedGen C3150344, OMIM 236200.

Submission:

Labcorp Genetics (formerly Invitae), Labcorp
Classification: Uncertain significance for HYPERHOMOCYSTEINEMIA, THROMBOTIC, CBS-RELATED. Last evaluated: 2022-07-19. Review status: criteria provided, single submitter. Criteria: Invitae Variant Classification Sherloc (09022015). Collection method: clinical testing. Allele origin: germline.
Comment: This sequence change replaces glutamine, which is neutral and polar, with histidine, which is basic and polar, at codon 393 of the CBS protein (p.Gln393His). This variant is not present in population databases (gnomAD no frequency). This variant has not been reported in the literature in individuals affected with CBS-related conditions. ClinVar contains an entry for this variant (Variation ID: 1390516). Algorithms developed to predict the effect of missense changes on protein structure and function (SIFT, PolyPhen-2, Align-GVGD) all suggest that this variant is likely to be tolerated. In summary, the available evidence is currently insufficient to determine the role of this variant in disease. Therefore, it has been classified as a Variant of Uncertain Significance.

NM_000071.3(CBS):c.1179G>T (p.Gln393His)

Gene: CBS (cystathionine beta-synthase; minus strand). Cytogenetic location: 21q22.3.
Variant type: single nucleotide variant.
Coding change: c.1179G>T on transcript NM_000071.3 (MANE Select); coding-DNA position 1179, G replaced by T.
Protein change: p.Gln393His; replaces glutamine 393 with histidine.
Molecular consequence: missense variant.
Genome position (GRCh38, 1-based): chr21:43,059,270, C>A on the plus strand (G>T on the coding strand, the complement: CBS is on the minus strand). VCF-style: chr21-43059270-C-A. GRCh37 (hg19) VCF-style: chr21-44479380-C-A.
Other names: c.1179G>T, p.Gln393His (NM_001178008.3, NM_001178009.3, NM_001320298.2); c.864G>T, p.Gln288His (NM_001321072.1); short protein forms Q393H, Q288H.
Identifiers: ClinVar variation 1390516 (VCV001390516.5), dbSNP rs2146344173, ClinGen allele CA410397770.